The following is an entry in ClinVar:

ClinVar aggregate classification (germline): Uncertain significance (1 of 4 stars; one submission).

Submission:

CeGaT Center for Human Genetics Tuebingen
Classification: Uncertain significance. Last evaluated: 2025-10-01. Review status: criteria provided, single submitter. Criteria: CeGaT Center For Human Genetics Tuebingen Variant Classification Criteria Version 2. Collection method: clinical testing. Allele origin: germline. Affected: yes. Observed: 1 variant allele.
Comment: ATP6V1B2: PM2, PP3

NM_001693.4(ATP6V1B2):c.1270G>T (p.Ala424Ser)

Gene: ATP6V1B2 (ATPase H+ transporting V1 subunit B2; plus strand). Cytogenetic location: 8p21.3.
Variant type: single nucleotide variant.
Coding change: c.1270G>T on transcript NM_001693.4 (MANE Select); coding-DNA position 1270, G replaced by T.
Protein change: p.Ala424Ser; replaces alanine 424 with serine.
Molecular consequence: missense variant.
Genome position (GRCh38, 1-based): chr8:20,218,156, G>T. VCF-style: chr8-20218156-G-T. GRCh37 (hg19) VCF-style: chr8-20075667-G-T.
Other names: short protein forms A424S.
Identifiers: ClinVar variation 4535040 (VCV004535040.6).